The following is an entry in ClinVar:

ClinVar aggregate classification (germline): Likely benign. Review status: criteria provided, multiple submitters, no conflicts (2 of 4 stars). 2 submissions from 2 submitters: Likely benign (2). Last evaluated 2026-06-01.

Allele frequency attached by ClinVar (database versions not stated): gnomAD exomes 0.00002; ExAC 0.00004; TOPMed 0.00006; gnomAD 0.00007.
gnomAD v4.1: 76 of 1,614,198 alleles (0.0047%); highest among the groups gnomAD compares: African/African-American, 0.032%; 1 homozygote.

Submissions (2):

CeGaT Center for Human Genetics Tuebingen
Classification: Likely benign. Last evaluated: 2026-06-01. Review status: criteria provided, single submitter. Criteria: CeGaT Center For Human Genetics Tuebingen Variant Classification Criteria Version 2. Collection method: clinical testing. Allele origin: germline. Affected: yes. Observed: 1 variant allele.
Comment: TRRAP: BP4, BP7

Labcorp Genetics (formerly Invitae), Labcorp
Classification: Likely benign. Last evaluated: 2025-09-29. Review status: criteria provided, single submitter. Criteria: Invitae Variant Classification Sherloc (09022015). Collection method: clinical testing. Allele origin: germline.

NM_001375524.1(TRRAP):c.6750C>T (p.Tyr2250=)

Gene: TRRAP (transformation/transcription domain associated protein; plus strand). Cytogenetic location: 7q22.1.
Variant type: single nucleotide variant.
Coding change: c.6750C>T on transcript NM_001375524.1 (MANE Select); coding-DNA position 6750, C replaced by T.
Protein change: p.Tyr2250=; no amino-acid change (tyrosine 2250 retained).
Molecular consequence: synonymous variant.
Genome position (GRCh38, 1-based): chr7:98,962,348, C>T. VCF-style: chr7-98962348-C-T. GRCh37 (hg19) VCF-style: chr7-98559971-C-T.
Other names: c.6729C>T, p.Tyr2243= (NM_001244580.2); c.6675C>T, p.Tyr2225= (NM_003496.4).
Identifiers: ClinVar variation 2193388 (VCV002193388.6), dbSNP rs111487624, ClinGen allele CA4360957.